The following is an entry in ClinVar:

NM_001191061.2(SLC25A22):c.829C>T (p.Arg277Trp)

Gene: SLC25A22 (solute carrier family 25 member 22; minus strand). Cytogenetic location: 11p15.5.
Variant type: single nucleotide variant.
Coding change: c.829C>T on transcript NM_001191061.2 (MANE Select); coding-DNA position 829, C replaced by T.
Protein change: p.Arg277Trp; replaces arginine 277 with tryptophan.
Molecular consequence: missense variant.
Genome position (GRCh38, 1-based): chr11:792,058, G>A on the plus strand (C>T on the coding strand, the complement: SLC25A22 is on the minus strand). VCF-style: chr11-792058-G-A. GRCh37 (hg19) VCF-style: chr11-792058-G-A.
Other names: c.829C>T, p.Arg277Trp (NM_001191060.2, NM_024698.6); short protein forms R277W.
Identifiers: ClinVar variation 946325 (VCV000946325.9), dbSNP rs567628237, ClinGen allele CA216993084.

ClinVar aggregate classification (germline): Uncertain significance. Review status: criteria provided, multiple submitters, no conflicts (2 of 4 stars). 2 submissions from 2 submitters: Uncertain significance (2). Last evaluated 2025-11-05.

Conditions:
Inborn genetic diseases. Identifiers: MedGen C0950123, MeSH D030342.
Developmental and epileptic encephalopathy. Identifiers: MedGen C5779964, MONDO:0100620.

Allele frequency attached by ClinVar (database versions not stated): gnomAD exomes 0.00001; TOPMed 0.00003; 1000 Genomes Project 30x 0.00016; 1000 Genomes Project 0.00020; gnomAD 0.00001 and 0.00002.

Submissions (2):

Ambry Genetics
Classification: Uncertain significance for Inborn genetic diseases. Last evaluated: 2025-11-05. Review status: criteria provided, single submitter. Criteria: Ambry Variant Classification Scheme 2023. Collection method: clinical testing. Allele origin: germline.

Labcorp Genetics (formerly Invitae), Labcorp
Classification: Uncertain significance for Early-infantile DEE. Last evaluated: 2024-01-02. Review status: criteria provided, single submitter. Criteria: Invitae Variant Classification Sherloc (09022015). Collection method: clinical testing. Allele origin: germline.
Comment: This sequence change replaces arginine, which is basic and polar, with tryptophan, which is neutral and slightly polar, at codon 277 of the SLC25A22 protein (p.Arg277Trp). The frequency data for this variant in the population databases is considered unreliable, as metrics indicate poor data quality at this position in the gnomAD database. This variant has not been reported in the literature in individuals affected with SLC25A22-related conditions. ClinVar contains an entry for this variant (Variation ID: 946325). Advanced modeling of protein sequence and biophysical properties (such as structural, functional, and spatial information, amino acid conservation, physicochemical variation, residue mobility, and thermodynamic stability) performed at Invitae indicates that this missense variant is not expected to disrupt SLC25A22 protein function with a negative predictive value of 80%. In summary, the available evidence is currently insufficient to determine the role of this variant in disease. Therefore, it has been classified as a Variant of Uncertain Significance.